The following is an entry in ClinVar:

ClinVar aggregate classification (germline): Uncertain significance. Review status: criteria provided, multiple submitters, no conflicts (2 of 4 stars). 2 submissions from 2 submitters: Uncertain significance (2). Last evaluated 2025-06-30.

Conditions:
HNF1B-related disorder. Also called: HNF1B-related condition; HNF1B-related disorders.

Allele frequency attached by ClinVar (database versions not stated): ExAC 0.00001; gnomAD 0.00001; TOPMed 0.00001.
gnomAD v4.1: 5 of 1,613,868 alleles (0.00031%); highest among the groups gnomAD compares: African/African-American, 0.0053%; no homozygotes.

Submissions (2):

PreventionGenetics, part of Exact Sciences
Classification: Uncertain significance for HNF1B-related condition. Last evaluated: 2025-06-30. Review status: criteria provided, single submitter. Criteria: ACMG Guidelines, 2015. Collection method: clinical testing. Allele origin: germline.
Comment: The HNF1B c.1556C>A variant is predicted to result in the amino acid substitution p.Pro519His. To our knowledge, this variant has not been reported in the literature. This variant is reported in 0.012% of alleles in individuals of African descent in gnomAD. At this time, the clinical significance of this variant is uncertain due to the absence of conclusive functional and genetic evidence.

Labcorp Genetics (formerly Invitae), Labcorp
Classification: Uncertain significance. Last evaluated: 2023-12-04. Review status: criteria provided, single submitter. Criteria: Invitae Variant Classification Sherloc (09022015). Collection method: clinical testing. Allele origin: germline.
Comment: This sequence change replaces proline, which is neutral and non-polar, with histidine, which is basic and polar, at codon 519 of the HNF1B protein (p.Pro519His). This variant is present in population databases (rs745416273, gnomAD 0.008%). This variant has not been reported in the literature in individuals affected with HNF1B-related conditions. Advanced modeling of protein sequence and biophysical properties (such as structural, functional, and spatial information, amino acid conservation, physicochemical variation, residue mobility, and thermodynamic stability) performed at Invitae indicates that this missense variant is not expected to disrupt HNF1B protein function with a negative predictive value of 80%. In summary, the available evidence is currently insufficient to determine the role of this variant in disease. Therefore, it has been classified as a Variant of Uncertain Significance.

NM_000458.4(HNF1B):c.1556C>A (p.Pro519His)

Gene: HNF1B (HNF1 homeobox B; minus strand). Cytogenetic location: 17q12.
Variant type: single nucleotide variant.
Coding change: c.1556C>A on transcript NM_000458.4 (MANE Select); coding-DNA position 1556, C replaced by A.
Protein change: p.Pro519His; replaces proline 519 with histidine.
Molecular consequence: missense variant. On other transcripts: intron variant (2).
Genome position (GRCh38, 1-based): chr17:37,699,173, G>T on the plus strand (C>A on the coding strand, the complement: HNF1B is on the minus strand). VCF-style: chr17-37699173-G-T. GRCh37 (hg19) VCF-style: chr17-36059179-G-T.
Other names: c.1556C>A (NM_000458.3); c.1478C>A, p.Pro493His (NM_001165923.4); c.1261+5744C>A (NM_001304286.2); c.1534+1810C>A (NM_001411100.1); short protein forms P493H, P519H.
Identifiers: ClinVar variation 2721766 (VCV002721766.4), dbSNP rs745416273, ClinGen allele CA8518798.
Genomic context (GRCh38, chr17:37,699,173, plus strand): 5'-CTGCTGGTATCTGTGACCACCATTGCAGATGGAAACCGGGAGGTGTGGGAATACTGGGGG[G>T]GTTCCTGCTTGTGTGCGTACACTGGAGAGACAGAGTGAAGACAGAATCAAGGTGCATACA-3'
Protein context (NP_000449.1, residues 509-529): NSHMYAHKQE[Pro519His]PQYSHTSRFP